The following is an entry in ClinVar:

NM_000081.4(LYST):c.7772G>A (p.Ser2591Asn)

Gene: LYST (lysosomal trafficking regulator; minus strand). Cytogenetic location: 1q42.3.
Variant type: single nucleotide variant.
Coding change: c.7772G>A on transcript NM_000081.4 (MANE Select); coding-DNA position 7772, G replaced by A.
Protein change: p.Ser2591Asn; replaces serine 2591 with asparagine.
Molecular consequence: missense variant.
Genome position (GRCh38, 1-based): chr1:235,751,218, C>T on the plus strand (G>A on the coding strand, the complement: LYST is on the minus strand). VCF-style: chr1-235751218-C-T. GRCh37 (hg19) VCF-style: chr1-235914518-C-T.
Other names: c.7772G>A, p.Ser2591Asn (NM_001301365.1); short protein forms S2591N.
Identifiers: ClinVar variation 1359376 (VCV001359376.7), dbSNP rs753083496, ClinGen allele CA344929271.
Genomic context (GRCh38, chr1:235,751,218, plus strand): 5'-AAGTCAAGCTAGCCTCAATTTATGGTTATTAAAATATGATTTCAATACTCGCCAGCAATG[C>T]TTTTCCGCTTTTGAACTACTGCATGATGGGGAGCAGAAGGTGACTGGAGTGAATCTGTGA-3'
Protein context (NP_000072.2, residues 2581-2601): PHHAVVQKRK[Ser2591Asn]IAGPRKFPLA

ClinVar aggregate classification (germline): Uncertain significance (1 of 4 stars; one submission).

Conditions:
Chédiak-Higashi syndrome (CHS). Also called: Chediak-Higashi Syndrome. Identifiers: Orphanet 167, MedGen C0007965, MONDO:0008963, OMIM 214500.

Submission:

Labcorp Genetics (formerly Invitae), Labcorp
Classification: Uncertain significance for Chédiak-Higashi syndrome. Last evaluated: 2024-10-22. Review status: criteria provided, single submitter. Criteria: Invitae Variant Classification Sherloc (09022015). Collection method: clinical testing. Allele origin: germline.
Comment: This sequence change replaces serine, which is neutral and polar, with asparagine, which is neutral and polar, at codon 2591 of the LYST protein (p.Ser2591Asn). This variant is not present in population databases (gnomAD no frequency). This variant has not been reported in the literature in individuals affected with LYST-related conditions. ClinVar contains an entry for this variant (Variation ID: 1359376). Invitae Evidence Modeling of protein sequence and biophysical properties (such as structural, functional, and spatial information, amino acid conservation, physicochemical variation, residue mobility, and thermodynamic stability) indicates that this missense variant is not expected to disrupt LYST protein function with a negative predictive value of 80%. In summary, the available evidence is currently insufficient to determine the role of this variant in disease. Therefore, it has been classified as a Variant of Uncertain Significance.